The following is an entry in ClinVar:

ClinVar aggregate classification (germline): Likely pathogenic (1 of 4 stars; one submission).

Conditions:
Autism, susceptibility to, 17. Also called: Autism susceptibility 17. Identifiers: MedGen C3150693, MONDO:0013265, OMIM 613436.

Submission:

Juno Genomics, Hangzhou Juno Genomics, Inc
Classification: Likely pathogenic for Autism, susceptibility to, 17. Review status: criteria provided, single submitter. Criteria: ACMG Guidelines, 2015. Collection method: clinical testing. Allele origin: germline.
Comment: Absent from controls (or at extremely low frequency if recessive) in Genome Aggregation Database.;Null variant in a gene where loss of function (LOF) is a known mechanism of disease.

NM_012309.5(SHANK2):c.370G>T (p.Glu124Ter)

Gene: SHANK2 (SH3 and multiple ankyrin repeat domains 2; minus strand). Cytogenetic location: 11q13.4.
Variant type: single nucleotide variant.
Coding change: c.370G>T on transcript NM_012309.5 (MANE Select); coding-DNA position 370, G replaced by T.
Protein change: p.Glu124Ter; replaces glutamic acid 124 with a stop codon.
Molecular consequence: nonsense.
Genome position (GRCh38, 1-based): chr11:71,118,870, C>A on the plus strand (G>T on the coding strand, the complement: SHANK2 is on the minus strand). VCF-style: chr11-71118870-C-A. GRCh37 (hg19) VCF-style: chr11-70829916-C-A.
Other names: c.370G>T, p.Glu124Ter (NM_001441024.1, NM_001441025.1, NM_001441026.1 and 13 more transcripts); short protein forms E124*.
Identifiers: ClinVar variation 5018945 (VCV005018945.2).